The following is an entry in ClinVar:

NM_015693.4(INTU):c.1312T>C (p.Phe438Leu)

Genes: INTU (inturned planar cell polarity protein; plus strand), LOC126807151 (CDK7 strongly-dependent group 2 enhancer GRCh37_chr4:128607842-128609041; plus strand). Cytogenetic location: 4q28.1.
Variant type: single nucleotide variant.
Coding change: c.1312T>C on transcript NM_015693.4 (MANE Select); coding-DNA position 1312, T replaced by C.
Protein change: p.Phe438Leu; replaces phenylalanine 438 with leucine.
Molecular consequence: missense variant.
Genome position (GRCh38, 1-based): chr4:127,687,730, T>C. VCF-style: chr4-127687730-T-C. GRCh37 (hg19) VCF-style: chr4-128608885-T-C.
Other names: c.1312T>C (NM_015693.3); short protein forms F438L.
Identifiers: ClinVar variation 3606857 (VCV003606857.3).

ClinVar aggregate classification (germline): Uncertain significance. Review status: criteria provided, multiple submitters, no conflicts (2 of 4 stars). 2 submissions from 2 submitters: Uncertain significance (2). Last evaluated 2025-09-28.

Conditions:
Inborn genetic diseases. Identifiers: MedGen C0950123, MeSH D030342.

gnomAD v4.1: 8 of 1,613,182 alleles (0.0005%); highest among the groups gnomAD compares: African/African-American, 0.011%; no homozygotes.

Submissions (2):

Ambry Genetics
Classification: Uncertain significance for Inborn genetic diseases. Last evaluated: 2025-09-28. Review status: criteria provided, single submitter. Criteria: Ambry Variant Classification Scheme 2023. Collection method: clinical testing. Allele origin: germline.

Labcorp Genetics (formerly Invitae), Labcorp
Classification: Uncertain significance. Last evaluated: 2024-10-08. Review status: criteria provided, single submitter. Criteria: Invitae Variant Classification Sherloc (09022015). Collection method: clinical testing. Allele origin: germline.
Comment: This sequence change replaces phenylalanine, which is neutral and non-polar, with leucine, which is neutral and non-polar, at codon 438 of the INTU protein (p.Phe438Leu). This variant is present in population databases (rs373225024, gnomAD 0.03%). This variant has not been reported in the literature in individuals affected with INTU-related conditions. Invitae Evidence Modeling of protein sequence and biophysical properties (such as structural, functional, and spatial information, amino acid conservation, physicochemical variation, residue mobility, and thermodynamic stability) indicates that this missense variant is not expected to disrupt INTU protein function with a negative predictive value of 80%. In summary, the available evidence is currently insufficient to determine the role of this variant in disease. Therefore, it has been classified as a Variant of Uncertain Significance.